The following is an entry in ClinVar:

NM_001277115.2(DNAH11):c.13059CCT[2] (p.Leu4356del)

Genes: DNAH11 (dynein axonemal heavy chain 11; plus strand), LOC126859962 (BRD4-independent group 4 enhancer GRCh37_chr7:21937780-21938979; plus strand). Cytogenetic location: 7p15.3.
Variant type: Microsatellite.
Coding change: c.13059CCT[2] on transcript NM_001277115.2 (MANE Select); two copies in a row of the 3-base unit CCT starting at c.13059; the reference has three copies in a row; one copy, 3 bases deleted.
Protein change: p.Leu4356del; deletes leucine 4356.
Genome position (GRCh38, 1-based): chr7:21,899,351-21,899,353, CCT deleted; deleting any 3 consecutive bases within chr7:21,899,345-21,899,353 gives the same sequence; the position shown is the placement nearest the transcript's 3' end. VCF-style (leftmost placement, unchanged base first): chr7-21899344-ACCT-A. GRCh37 (hg19) VCF-style: chr7-21938962-ACCT-A.
Other names: NM_001277115.2:c.13065_13067del; short protein forms L4356del.
Identifiers: ClinVar variation 3720728 (VCV003720728.3).

ClinVar aggregate classification (germline): Conflicting classifications of pathogenicity. Review status: criteria provided, conflicting classifications (1 of 4 stars). 2 submissions from 2 submitters: Pathogenic (1); Uncertain significance (1). Last evaluated 2025-07-28.

Conditions:
Primary ciliary dyskinesia. Also called: Ciliary dyskinesia. Identifiers: Orphanet 244, MedGen C0008780, MONDO:0016575, HP:0012265.
Primary ciliary dyskinesia 7. Also called: CILIARY DYSKINESIA, PRIMARY, 7, WITH OR WITHOUT SITUS INVERSUS. Identifiers: Orphanet 244, MedGen C2678473, MONDO:0012748, OMIM 611884.

Submissions (2):

Labcorp Genetics (formerly Invitae), Labcorp
Classification: Pathogenic for Primary ciliary dyskinesia. Last evaluated: 2025-07-28. Review status: criteria provided, single submitter. Criteria: Invitae Variant Classification Sherloc (09022015). Collection method: clinical testing. Allele origin: germline.
Comment: This variant, c.13065_13067del, results in the deletion of 1 amino acid(s) of the DNAH11 protein (p.Leu4356del), but otherwise preserves the integrity of the reading frame. This variant is not present in population databases (gnomAD no frequency). This variant has been observed in individual(s) with primary ciliary dyskinesia (PMID: 22184204; interna data). In at least one individual the data is consistent with being in trans (on the opposite chromosome) from a pathogenic variant. It has also been observed to segregate with disease in related individuals. For these reasons, this variant has been classified as Pathogenic.

Broad Center for Mendelian Genomics, Broad Institute of MIT and Harvard
Classification: Uncertain significance for Primary ciliary dyskinesia 7. Last evaluated: 2025-02-20. Review status: criteria provided, single submitter. Criteria: ACMG Guidelines, 2015. Collection method: curation. Allele origin: germline. Inheritance: Autosomal recessive inheritance.
Comment: The p.Leu4356del variant in DNAH11 has been reported in at least 3 individuals with primary ciliary dyskinesia (PMID: 22184204, 37860582), and has been identified in 0.001% (1/91078) of South Asian chromosomes by the Genome Aggregation Database (gnomAD; dbSNP ID: rs72658828). Although this variant has been seen in the general population in a heterozygous state, its frequency is low enough to be consistent with a recessive carrier frequency. Of the 3 affected individuals, two were compound heterozygotes that carried reported pathogenic variants in trans or with unknown phase, which increases the likelihood that the p.Leu4356del variant is pathogenic (Variation ID: 410858, 2689025; PMID: 22184204, 37860582). This variant is a deletion of 1 amino acid at position 4356 and is not predicted to alter the protein reading-frame. It is unclear if this deletion will impact the protein. In summary, the clinical significance of the p.Leu4356del variant is uncertain. ACMG/AMP Criteria applied: PM3, PM2_supporting, PM4_supporting (Richards 2015).

Literature cited by the submitters: PubMed 22184204 (cited by Labcorp Genetics (formerly Invitae), Labcorp).